The following is an entry in ClinVar:

ClinVar aggregate classification (germline): Uncertain significance (1 of 4 stars; one submission).

gnomAD v4.1: 3 of 1,613,866 alleles (0.00019%); highest among the groups gnomAD compares: South Asian, 0.0022%; no homozygotes.

Submission:

Labcorp Genetics (formerly Invitae), Labcorp
Classification: Uncertain significance. Last evaluated: 2021-10-17. Review status: criteria provided, single submitter. Criteria: Invitae Variant Classification Sherloc (09022015). Collection method: clinical testing. Allele origin: germline.
Comment: In summary, the available evidence is currently insufficient to determine the role of this variant in disease. Therefore, it has been classified as a Variant of Uncertain Significance. Algorithms developed to predict the effect of missense changes on protein structure and function are either unavailable or do not agree on the potential impact of this missense change (SIFT: "Deleterious"; PolyPhen-2: "Benign"; Align-GVGD: "Class C0"). This variant has not been reported in the literature in individuals affected with NPR3-related conditions. This variant is not present in population databases (ExAC no frequency). This sequence change replaces arginine with glycine at codon 98 of the NPR3 protein (p.Arg98Gly). The arginine residue is highly conserved and there is a moderate physicochemical difference between arginine and glycine.

NM_001204375.2(NPR3):c.292C>G (p.Arg98Gly)

Genes: NPR3 (natriuretic peptide receptor 3; plus strand), LOC123493284 (Sharpr-MPRA regulatory region 158; plus strand). Cytogenetic location: 5p13.3.
Variant type: single nucleotide variant.
Coding change: c.292C>G on transcript NM_001204375.2 (MANE Select); coding-DNA position 292, C replaced by G.
Protein change: p.Arg98Gly; replaces arginine 98 with glycine.
Molecular consequence: missense variant. On other transcripts: intron variant (4).
Genome position (GRCh38, 1-based): chr5:32,712,068, C>G. VCF-style: chr5-32712068-C-G. GRCh37 (hg19) VCF-style: chr5-32712174-C-G.
Other names: c.292C>G, p.Arg98Gly (NM_000908.4); c.50-12630C>G (NM_001364458.2); c.121+1285C>G (NM_001363652.2, NM_001204376.2, NM_001364460.2); short protein forms R98G.
Identifiers: ClinVar variation 1376431 (VCV001376431.6), dbSNP rs2111840861, ClinGen allele CA359466574.